The following is an entry in ClinVar:

ClinVar aggregate classification (germline): Benign/Likely benign. Review status: criteria provided, multiple submitters, no conflicts (2 of 4 stars). 2 submissions from 2 submitters: Benign (1); Likely benign (1). Last evaluated 2024-06-09.

Conditions:
Maturity-onset diabetes of the young type 11. Identifiers: Orphanet 552, MedGen C3150618, MONDO:0013242, OMIM 613375.

Allele frequency attached by ClinVar (database versions not stated): gnomAD 0.00005 and 0.00007; gnomAD exomes 0.00007 and 0.00016; TOPMed 0.00008; ExAC 0.00012; ESP Exome Variant Server 0.00023.
gnomAD v4.1: 119 of 1,613,864 alleles (0.0074%); highest among the groups gnomAD compares: Admixed American, 0.012%; no homozygotes.

Submissions (2):

Labcorp Genetics (formerly Invitae), Labcorp
Classification: Likely benign. Last evaluated: 2024-06-09. Review status: criteria provided, single submitter. Criteria: Invitae Variant Classification Sherloc (09022015). Collection method: clinical testing. Allele origin: germline.

Illumina Laboratory Services, Illumina
Classification: Benign for Maturity-onset diabetes of the young type 11. Last evaluated: 2017-10-25. Review status: criteria provided, single submitter. Criteria: ICSL Variant Classification Criteria 13 December 2019. Collection method: clinical testing. Allele origin: germline.
Comment: This variant was observed in the ICSL laboratory as part of a predisposition screen in an ostensibly healthy population. It had not been previously curated by ICSL or reported in the Human Gene Mutation Database (HGMD: prior to June 1st, 2018), and was therefore a candidate for classification through an automated scoring system. Utilizing variant allele frequency, disease prevalence and penetrance estimates, and inheritance mode, an automated score was calculated to assess if this variant is too frequent to cause the disease. Based on the score and internal cut-off values, a variant classified as benign is not then subjected to further curation. The score for this variant resulted in a classification of benign for this disease.

NM_001715.3(BLK):c.369-2A>G

Genes: BLK (BLK proto-oncogene, Src family tyrosine kinase), LOC126860303 (CDK7 strongly-dependent group 2 enhancer GRCh37_chr8:11407118-11408317). Cytogenetic location: 8p23.1.
Variant type: single nucleotide variant.
Coding change: c.369-2A>G on transcript NM_001715.3 (MANE Select); the canonical splice acceptor site of the intron before coding-DNA position 369, A replaced by G.
Molecular consequence: splice acceptor variant.
Genome position (GRCh38, 1-based): chr8:11,550,157, A>G. VCF-style: chr8-11550157-A-G. GRCh37 (hg19) VCF-style: chr8-11407666-A-G.
Other names: c.156-2A>G (NM_001330465.2).
Identifiers: ClinVar variation 910760 (VCV000910760.7), dbSNP rs137986278, ClinGen allele CA4629865.